The following is an entry in ClinVar:

NM_138927.4(SON):c.4350T>C (p.Pro1450=)

Gene: SON (SON DNA and RNA binding protein; plus strand). Cytogenetic location: 21q22.11.
Variant type: single nucleotide variant.
Coding change: c.4350T>C on transcript NM_138927.4 (MANE Select); coding-DNA position 4350, T replaced by C.
Protein change: p.Pro1450=; no amino-acid change (proline 1450 retained).
Molecular consequence: synonymous variant. On other transcripts: non-coding transcript variant (1), intron variant (1).
Genome position (GRCh38, 1-based): chr21:33,553,581, T>C. VCF-style: chr21-33553581-T-C. GRCh37 (hg19) VCF-style: chr21-34925887-T-C.
Other names: c.4350T>C, p.Pro1450= (NM_001291411.2, NM_001412133.1, NM_032195.3 and 2 more transcripts); c.245-3575T>C (NM_001291412.3).
Identifiers: ClinVar variation 3030565 (VCV003030565.2), dbSNP rs2517380474, ClinGen allele CA512338528.
Genomic context (GRCh38, chr21:33,553,581, plus strand): 5'-TATGATTGTTTCAGAACCATCTGTTTCTGTCCAGGAATCGACTGTGACAGTTTCAGAGCC[T>C]GCTGTCACAGTCTCAGAGCAGACTCAAGTAATACCAACTGAGGTGGCTATAGAGTCCACA-3'
Protein context (NP_620305.3, residues 1440-1460): VQESTVTVSE[Pro1450=]AVTVSEQTQV

ClinVar aggregate classification (germline): Likely benign (0 of 4 stars; one submission).

Conditions:
SON-related disorder. Also called: SON-related condition.

Submission:

PreventionGenetics, part of Exact Sciences
Classification: Likely benign for SON-related condition. Last evaluated: 2021-04-02. Review status: no assertion criteria provided. Collection method: clinical testing. Allele origin: germline.
Comment: This variant is classified as likely benign based on ACMG/AMP sequence variant interpretation guidelines (Richards et al. 2015 PMID: 25741868, with internal and published modifications).